The following is an entry in ClinVar:

ClinVar aggregate classification (germline): Uncertain significance (1 of 4 stars; one submission).

Conditions:
Hereditary spastic paraplegia 30. Identifiers: Orphanet 101010, MedGen C5235139, MONDO:0012476.
Neuropathy, hereditary sensory, type 2C. Also called: Hereditary sensory and autonomic neuropathy type IIC; KIF1A-Related HSAN2 (HSAN2C). Identifiers: Orphanet 970, MedGen C3280168, MONDO:0013634, OMIM 614213.
Intellectual disability, autosomal dominant 9 (NESCAVS). Also called: NESCAV SYNDROME; KIF1A-Related Neurodevelopmental Disorder. Identifiers: Orphanet 662367, MedGen C5393830, MONDO:0013656, OMIM 614255.

Submission:

Labcorp Genetics (formerly Invitae), Labcorp
Classification: Uncertain significance for Hereditary spastic paraplegia 30; Neuropathy, hereditary sensory, type 2C; Intellectual disability, autosomal dominant 9. Last evaluated: 2022-11-08. Review status: criteria provided, single submitter. Criteria: Invitae Variant Classification Sherloc (09022015). Collection method: clinical testing. Allele origin: germline.
Comment: This sequence change replaces alanine, which is neutral and non-polar, with threonine, which is neutral and polar, at codon 1014 of the KIF1A protein (p.Ala1014Thr). In summary, the available evidence is currently insufficient to determine the role of this variant in disease. Therefore, it has been classified as a Variant of Uncertain Significance. Advanced modeling of protein sequence and biophysical properties (such as structural, functional, and spatial information, amino acid conservation, physicochemical variation, residue mobility, and thermodynamic stability) performed at Invitae indicates that this missense variant is not expected to disrupt KIF1A protein function. This variant has not been reported in the literature in individuals affected with KIF1A-related conditions. This variant is not present in population databases (gnomAD no frequency).

NM_001244008.2(KIF1A):c.3343G>A (p.Ala1115Thr)

Gene: KIF1A (kinesin family member 1A; minus strand). Cytogenetic location: 2q37.3.
Variant type: single nucleotide variant.
Coding change: c.3343G>A on transcript NM_001244008.2 (MANE Select); coding-DNA position 3343, G replaced by A.
Protein change: p.Ala1115Thr; replaces alanine 1115 with threonine.
Molecular consequence: missense variant.
Genome position (GRCh38, 1-based): chr2:240,745,769, C>T on the plus strand (G>A on the coding strand, the complement: KIF1A is on the minus strand). VCF-style: chr2-240745769-C-T. GRCh37 (hg19) VCF-style: chr2-241685186-C-T.
Other names: c.3067G>A, p.Ala1023Thr (NM_001320705.2, NM_001330289.2, NM_001379638.1); c.3142G>A, p.Ala1048Thr (NM_001330290.2, NM_001379634.1, NM_001379635.1 and 1 more transcripts); c.3418G>A, p.Ala1140Thr (NM_001379631.1); c.3292G>A, p.Ala1098Thr (NM_001379632.1); c.3316G>A, p.Ala1106Thr (NM_001379633.1, NM_001379642.1, NM_001379645.1); c.3040G>A, p.Ala1014Thr (NM_001379636.1, NM_001379639.1, NM_001379641.1 and 6 more transcripts); c.3115G>A, p.Ala1039Thr (NM_001379637.1, NM_001379648.1); c.3037G>A, p.Ala1013Thr (NM_001379640.1); short protein forms A1039T, A1098T, A1106T, A1048T, A1013T, A1023T, A1014T, A1115T.
Identifiers: ClinVar variation 1947323 (VCV001947323.5), dbSNP rs1395014679, ClinGen allele CA351317795.
Genomic context (GRCh38, chr2:240,745,769, plus strand): 5'-GCAGGGACACAAAGGCAGCAGGGCCTCACTTGAACTGGCAGAAGATGTCGGCATATTCGG[C>T]AGAGATGCTGGACGCCTGCAGGACTGTCACACGGAAGGTGAAGGTGTTGCCCAGGCGGAG-3'
Protein context (NP_001230937.1, residues 1105-1125): VTVLQASSIS[Ala1115Thr]EYADIFCQFN